The following is an entry in ClinVar:

ClinVar aggregate classification (germline): Uncertain significance. Review status: criteria provided, single submitter (1 of 4 stars). 2 submissions from 2 submitters: Uncertain significance (1). 1 of the submissions does not count toward it. Last evaluated 2021-03-25.

Conditions:
PBX1-related disorder. Also called: PBX1-related condition.

Submissions (2):

Blueprint Genetics
Classification: Uncertain significance. Last evaluated: 2021-03-25. Review status: criteria provided, single submitter. Criteria: ACMG Guidelines, 2015. Collection method: clinical testing. Allele origin: germline.

PreventionGenetics, part of Exact Sciences
Classification: Uncertain significance for PBX1-related condition. Last evaluated: 2024-05-06. Review status: no assertion criteria provided. Collection method: clinical testing. Allele origin: germline. Not counted in ClinVar's aggregate classification.
Comment: The PBX1 c.1205_1213del9 variant is predicted to result in an in-frame deletion (p.Leu402_Arg404del). To our knowledge, this variant has not been reported in the literature. This variant is reported in 0.0089% of alleles in individuals of South Asian descent in gnomAD. At this time, the clinical significance of this variant is uncertain due to the absence of conclusive functional and genetic evidence.

NM_002585.4(PBX1):c.*2668_*2676del

Gene: PBX1 (PBX homeobox 1; plus strand). Cytogenetic location: 1q23.3.
Variant type: Deletion.
Coding change: c.*2668_*2676del on transcript NM_002585.4 (MANE Select); 2668 bases downstream of the stop codon through 2676 bases downstream of the stop codon, 9 bases deleted (TCCCCCGGC; older notation c.*2668_*2676delTCCCCCGGC).
Molecular consequence: 3 prime UTR variant. On other transcripts: inframe deletion (1), intron variant (1).
Genome position (GRCh38, 1-based): chr1:164,849,344-164,849,352, TCCCCCGGC deleted; deleting any 9 consecutive bases within chr1:164,849,343-164,849,352 gives the same sequence; the c. name uses the placement nearest the transcript's 3' end. VCF-style (leftmost placement, unchanged base first): chr1-164849342-CCTCCCCCGG-C. GRCh37 (hg19) VCF-style: chr1-164818579-CCTCCCCCGG-C.
Other names: c.*2804_*2812del (NM_001204961.2); c.1205_1213del, p.Leu402_Arg404del (NM_001204963.2); c.*2668_*2676del (NM_001353130.1); c.*43+27718_*43+27726del (NM_001353131.2).
Identifiers: ClinVar variation 3351551 (VCV003351551.2).